The following is an entry in ClinVar:

ClinVar aggregate classification (germline): Uncertain significance (1 of 4 stars; one submission).

Submission:

Labcorp Genetics (formerly Invitae), Labcorp
Classification: Uncertain significance. Last evaluated: 2024-06-17. Review status: criteria provided, single submitter. Criteria: Invitae Variant Classification Sherloc (09022015). Collection method: clinical testing. Allele origin: germline.
Comment: This sequence change replaces isoleucine, which is neutral and non-polar, with asparagine, which is neutral and polar, at codon 214 of the RHO protein (p.Ile214Asn). This variant is not present in population databases (gnomAD no frequency). This missense change has been observed in individual(s) with autosomal dominant retinitis pigmentosa (PMID: 22334370). ClinVar contains an entry for this variant (Variation ID: 2203435). Advanced modeling of protein sequence and biophysical properties (such as structural, functional, and spatial information, amino acid conservation, physicochemical variation, residue mobility, and thermodynamic stability) performed at Invitae indicates that this missense variant is expected to disrupt RHO protein function with a positive predictive value of 80%. Studies have shown that this missense change alters RHO gene expression (PMID: 30977563). In summary, the available evidence is currently insufficient to determine the role of this variant in disease. Therefore, it has been classified as a Variant of Uncertain Significance.

Literature cited by the submitters: PubMed 22334370; PubMed 30977563.

NM_000539.3(RHO):c.641T>A (p.Ile214Asn)

Gene: RHO (rhodopsin; plus strand). Cytogenetic location: 3q22.1.
Variant type: single nucleotide variant.
Coding change: c.641T>A on transcript NM_000539.3 (MANE Select); coding-DNA position 641, T replaced by A.
Protein change: p.Ile214Asn; replaces isoleucine 214 with asparagine.
Molecular consequence: missense variant.
Genome position (GRCh38, 1-based): chr3:129,532,361, T>A. VCF-style: chr3-129532361-T-A. GRCh37 (hg19) VCF-style: chr3-129251204-T-A.
Other names: short protein forms I214N.
Identifiers: ClinVar variation 2203435 (VCV002203435.4), dbSNP rs2533027057, ClinGen allele CA354469932.
Genomic context (GRCh38, chr3:129,532,361, plus strand): 5'-TCAAGCCGGAGGTCAACAACGAGTCTTTTGTCATCTACATGTTCGTGGTCCACTTCACCA[T>A]CCCCATGATTATCATCTTTTTCTGCTATGGGCAGCTCGTCTTCACCGTCAAGGAGGTACG-3'
Protein context (NP_000530.1, residues 204-224): VIYMFVVHFT[Ile214Asn]PMIIIFFCYG